The following is an entry in ClinVar:

NM_000256.3(MYBPC3):c.931T>C (p.Ser311Pro)

Gene: MYBPC3 (myosin binding protein C3; minus strand). Cytogenetic location: 11p11.2.
Variant type: single nucleotide variant.
Coding change: c.931T>C on transcript NM_000256.3 (MANE Select); coding-DNA position 931, T replaced by C.
Protein change: p.Ser311Pro; replaces serine 311 with proline.
Molecular consequence: missense variant.
Genome position (GRCh38, 1-based): chr11:47,346,366, A>G on the plus strand (T>C on the coding strand, the complement: MYBPC3 is on the minus strand). VCF-style: chr11-47346366-A-G. GRCh37 (hg19) VCF-style: chr11-47367917-A-G.
Other names: short protein forms S311P.
Identifiers: ClinVar variation 870091 (VCV000870091.5), dbSNP rs397516084, ClinGen allele CA380332257.

ClinVar aggregate classification (germline): Uncertain significance. Review status: criteria provided, multiple submitters, no conflicts (2 of 4 stars). 2 submissions from 2 submitters: Uncertain significance (2). Last evaluated 2022-09-22.

Conditions:
Hypertrophic cardiomyopathy. Also called: HYPERTROPHIC MYOCARDIOPATHY. Identifiers: Orphanet 217569, MedGen C0007194, MeSH D002312, MONDO:0005045, HP:0001639.
Hypertrophic cardiomyopathy 4. Also called: Familial hypertrophic cardiomyopathy 4. Identifiers: MedGen C1861862, MONDO:0007268, OMIM 115197.

Submissions (2):

Labcorp Genetics (formerly Invitae), Labcorp
Classification: Uncertain significance for Hypertrophic cardiomyopathy. Last evaluated: 2022-09-22. Review status: criteria provided, single submitter. Criteria: Invitae Variant Classification Sherloc (09022015). Collection method: clinical testing. Allele origin: germline.
Comment: In summary, the available evidence is currently insufficient to determine the role of this variant in disease. Therefore, it has been classified as a Variant of Uncertain Significance. ClinVar contains an entry for this variant (Variation ID: 870091). Algorithms developed to predict the effect of missense changes on protein structure and function output the following: SIFT: "Tolerated"; PolyPhen-2: "Benign"; Align-GVGD: "Class C0". The proline amino acid residue is found in multiple mammalian species, which suggests that this missense change does not adversely affect protein function. This sequence change replaces serine, which is neutral and polar, with proline, which is neutral and non-polar, at codon 311 of the MYBPC3 protein (p.Ser311Pro). This variant is not present in population databases (gnomAD no frequency). This missense change has been observed in individual(s) with hypertrophic cardiomyopathy (PMID: 33782553).

Agnes Ginges Centre for Molecular Cardiology, Centenary Institute
Classification: Uncertain significance for Hypertrophic cardiomyopathy 4. Last evaluated: 2018-10-16. Review status: criteria provided, single submitter. Criteria: ACMG Guidelines, 2015. Collection method: research. Allele origin: germline. Inheritance: Autosomal dominant inheritance. Affected: yes.
Comment: MYBPC3 Ser311Pro has not been reported previously and is absent in the Genome Aggregation Database. In silico tools SIFT, PolyPhen-2, PolyPhen-HCM and MutationTaster predict this variant to be benign. In summary, there is not enough information to classify the variant as disease-causing or as a polymorphism, therefore we classify MYBPC3 Ser311Pro as a variant of 'uncertain significance'.

Literature cited by the submitters: PubMed 33782553 (cited by Labcorp Genetics (formerly Invitae), Labcorp).